The following is an entry in ClinVar:

ClinVar aggregate classification (germline): Benign/Likely benign. Review status: criteria provided, multiple submitters, no conflicts (2 of 4 stars). 4 submissions from 4 submitters: Benign (3); Likely benign (1). Last evaluated 2026-02-01.

Conditions:
Primary ciliary dyskinesia. Also called: Ciliary dyskinesia. Identifiers: Orphanet 244, MedGen C0008780, MONDO:0016575, HP:0012265.

Allele frequency attached by ClinVar (database versions not stated): 1000 Genomes Project 30x 0.01046; 1000 Genomes Project 0.01178; TOPMed 0.01826; gnomAD 0.02198 and 0.02251; gnomAD exomes 0.02342 and 0.02883; ExAC 0.02376; ESP Exome Variant Server 0.02377.
gnomAD v4.1: 45,355 of 1,612,796 alleles (2.8%); highest among the groups gnomAD compares: Non-Finnish European, 3.2%; 740 homozygotes.

Submissions (4):

Labcorp Genetics (formerly Invitae), Labcorp
Classification: Benign for Primary ciliary dyskinesia. Last evaluated: 2026-02-01. Review status: criteria provided, single submitter. Criteria: Invitae Variant Classification Sherloc (09022015). Collection method: clinical testing. Allele origin: germline.

Blueprint Genetics
Classification: Likely benign. Last evaluated: 2024-11-26. Review status: criteria provided, single submitter. Criteria: ACMG Guidelines, 2015. Collection method: clinical testing. Allele origin: germline.

Mayo Clinic Laboratories, Mayo Clinic
Classification: Benign. Last evaluated: 2023-05-24. Review status: criteria provided, single submitter. Criteria: ACMG Guidelines, 2015. Collection method: clinical testing. Allele origin: germline. Observed: 11 variant alleles.
Comment: BS1, BS2, BP4, BP7

PreventionGenetics, part of Exact Sciences
Classification: Benign. Review status: criteria provided, single submitter. Criteria: ACMG Guidelines, 2015. Collection method: clinical testing. Allele origin: germline.

NM_001206927.2(DNAH8):c.11511G>A (p.Arg3837=)

Genes: DNAH8-AS1 (DNAH8 antisense RNA 1; minus strand), DNAH8 (dynein axonemal heavy chain 8; plus strand). Cytogenetic location: 6p21.2.
Variant type: single nucleotide variant.
Coding change: c.11511G>A on transcript NM_001206927.2 (MANE Select); coding-DNA position 11511, G replaced by A.
Protein change: p.Arg3837=; no amino-acid change (arginine 3837 retained).
Molecular consequence: synonymous variant.
Genome position (GRCh38, 1-based): chr6:38,935,645, G>A. VCF-style: chr6-38935645-G-A. GRCh37 (hg19) VCF-style: chr6-38903421-G-A.
Other names: p.Arg3837=; c.10860G>A, p.Arg3620= (NM_001371.4).
Identifiers: ClinVar variation 257627 (VCV000257627.14), dbSNP rs61748646, ClinGen allele CA3791082.
Genomic context (GRCh38, chr6:38,935,645, plus strand): 5'-ATGACAGGAGTTAGAGGCTGAGAGGGTTAAACTTTTGGAGGATGTTACTTTTAATAAGCG[G>A]AAGATGAAAGAACTTGAAGATAACCTCCTCTATAAATTAAGTGCTACAAAAGGTATTGTG-3'
Protein context (NP_001193856.1, residues 3827-3847): KLLEDVTFNK[Arg3837=]KMKELEDNLL